The following is an entry in ClinVar:

ClinVar aggregate classification (germline): Uncertain significance (1 of 4 stars; one submission).

Conditions:
Severe combined immunodeficiency due to DNA-PKcs deficiency. Also called: IMMUNODEFICIENCY 26 WITH NEUROLOGIC ABNORMALITIES; Immunodeficiency 26 with or without neurologic abnormalities. Identifiers: Orphanet 317425, MedGen C4014833, MONDO:0014423, OMIM 615966.

Submission:

Labcorp Genetics (formerly Invitae), Labcorp
Classification: Uncertain significance for Severe combined immunodeficiency due to DNA-PKcs deficiency. Last evaluated: 2024-01-22. Review status: criteria provided, single submitter. Criteria: Invitae Variant Classification Sherloc (09022015). Collection method: clinical testing. Allele origin: germline.
Comment: This sequence change replaces leucine, which is neutral and non-polar, with glutamine, which is neutral and polar, at codon 3041 of the PRKDC protein (p.Leu3041Gln). This variant is not present in population databases (gnomAD no frequency). This variant has not been reported in the literature in individuals affected with PRKDC-related conditions. ClinVar contains an entry for this variant (Variation ID: 1958381). Advanced modeling of protein sequence and biophysical properties (such as structural, functional, and spatial information, amino acid conservation, physicochemical variation, residue mobility, and thermodynamic stability) performed at Invitae indicates that this missense variant is expected to disrupt PRKDC protein function with a positive predictive value of 80%. In summary, the available evidence is currently insufficient to determine the role of this variant in disease. Therefore, it has been classified as a Variant of Uncertain Significance.

NM_006904.7(PRKDC):c.9122T>A (p.Leu3041Gln)

Gene: PRKDC (protein kinase, DNA-activated, catalytic subunit; minus strand). Cytogenetic location: 8q11.21.
Variant type: single nucleotide variant.
Coding change: c.9122T>A on transcript NM_006904.7 (MANE Select); coding-DNA position 9122, T replaced by A.
Protein change: p.Leu3041Gln; replaces leucine 3041 with glutamine.
Molecular consequence: missense variant.
Genome position (GRCh38, 1-based): chr8:47,820,933, A>T on the plus strand (T>A on the coding strand, the complement: PRKDC is on the minus strand). VCF-style: chr8-47820933-A-T. GRCh37 (hg19) VCF-style: chr8-48733494-A-T.
Other names: c.9122T>A, p.Leu3041Gln (NM_001081640.2); short protein forms L3041Q.
Identifiers: ClinVar variation 1958381 (VCV001958381.5), dbSNP rs1456254378, ClinGen allele CA371139986.